The following is an entry in ClinVar:

NM_001378778.1(MPDZ):c.4052T>C (p.Ile1351Thr)

Gene: MPDZ (multiple PDZ domain crumbs cell polarity complex component; minus strand). Cytogenetic location: 9p23.
Variant type: single nucleotide variant.
Coding change: c.4052T>C on transcript NM_001378778.1 (MANE Select); coding-DNA position 4052, T replaced by C.
Protein change: p.Ile1351Thr; replaces isoleucine 1351 with threonine.
Molecular consequence: missense variant.
Genome position (GRCh38, 1-based): chr9:13,138,105, A>G on the plus strand (T>C on the coding strand, the complement: MPDZ is on the minus strand). VCF-style: chr9-13138105-A-G. GRCh37 (hg19) VCF-style: chr9-13138104-A-G.
Other names: c.3953T>C, p.Ile1318Thr (NM_001261406.2, NM_001261407.2, NM_001375416.1 and 3 more transcripts); c.4052T>C, p.Ile1351Thr (NM_001330637.2, NM_001375413.1, NM_003829.5); c.3842T>C, p.Ile1281Thr (NM_001375420.1, NM_001375421.1, NM_001375422.1 and 4 more transcripts); c.3644T>C, p.Ile1215Thr (NM_001375427.1); short protein forms I1281T, I1215T, I1318T, I1351T.
Identifiers: ClinVar variation 1376077 (VCV001376077.8), dbSNP rs1398772394, ClinGen allele CA372949336.

ClinVar aggregate classification (germline): Uncertain significance (1 of 4 stars; one submission).

Allele frequency attached by ClinVar (database versions not stated): gnomAD exomes below 0.00001 and 0.00001; TOPMed below 0.00001; gnomAD 0.00001.
gnomAD v4.1: 19 of 1,609,732 alleles (0.0012%); highest among the groups gnomAD compares: Middle Eastern, 0.017%; no homozygotes.

Submission:

Labcorp Genetics (formerly Invitae), Labcorp
Classification: Uncertain significance. Last evaluated: 2023-07-14. Review status: criteria provided, single submitter. Criteria: Invitae Variant Classification Sherloc (09022015). Collection method: clinical testing. Allele origin: germline.
Comment: This variant is present in population databases (no rsID available, gnomAD 0.003%). In summary, the available evidence is currently insufficient to determine the role of this variant in disease. Therefore, it has been classified as a Variant of Uncertain Significance. An algorithm developed to predict the effect of missense changes on protein structure and function (PolyPhen-2) suggests that this variant is likely to be disruptive. ClinVar contains an entry for this variant (Variation ID: 1376077). This variant has not been reported in the literature in individuals affected with MPDZ-related conditions. This sequence change replaces isoleucine, which is neutral and non-polar, with threonine, which is neutral and polar, at codon 1351 of the MPDZ protein (p.Ile1351Thr).